The following is an entry in ClinVar:

ClinVar aggregate classification (germline): Benign/Likely benign. Review status: criteria provided, multiple submitters, no conflicts (2 of 4 stars). 16 submissions from 16 submitters: Benign (12); Likely benign (1). 3 of the submissions do not count toward it. Last evaluated 2026-02-04.

Conditions:
Cardiovascular phenotype. Identifiers: MedGen CN230736.
Dystrophin deficiency.
Becker muscular dystrophy (BMD). Also called: MUSCULAR DYSTROPHY, PSEUDOHYPERTROPHIC PROGRESSIVE, BECKER TYPE; Becker Muscular Dystrophy (BMD). Identifiers: Orphanet 98895, MedGen C0917713, MONDO:0010311, OMIM 300376.
Cardiomyopathy (CMYO). Also called: Cardiomyopathies. Identifiers: Orphanet 167848, MedGen C0878544, MONDO:0004994, HP:0001638. Inheritance: Various modes of inheritance.
Duchenne muscular dystrophy (DMD). Also called: Duchenne Muscular Dystrophy (DMD); MUSCULAR DYSTROPHY, PSEUDOHYPERTROPHIC PROGRESSIVE, DUCHENNE TYPE. Identifiers: Orphanet 98896, MedGen C0013264, MONDO:0010679, OMIM 310200.
Dilated cardiomyopathy 3B (CMD3B). Also called: CMD3B: DMD-Related Dilated Cardiomyopathy; CARDIOMYOPATHY, DILATED, X-LINKED; DMD-Associated Dilated Cardiomyopathy. Identifiers: Orphanet 154, MedGen C3668940, MONDO:0010542, OMIM 302045.

Allele frequency attached by ClinVar (database versions not stated): 1000 Genomes Project 0.00874; gnomAD 0.01212 and 0.01219; TOPMed 0.01254; ESP Exome Variant Server 0.01203; gnomAD exomes 0.01225; 1000 Genomes Project 30x 0.00853; ExAC 0.01272.
gnomAD v4.1: 21,316 of 1,209,308 alleles (1.8%); highest among the groups gnomAD compares: Non-Finnish European, 2.1%; 158 homozygotes.

Submissions (16):

Labcorp Genetics (formerly Invitae), Labcorp
Classification: Benign for Duchenne muscular dystrophy. Last evaluated: 2026-02-04. Review status: criteria provided, single submitter. Criteria: Invitae Variant Classification Sherloc (09022015). Collection method: clinical testing. Allele origin: germline.

ARUP Laboratories, Molecular Genetics and Genomics, ARUP Laboratories
Classification: Benign. Last evaluated: 2025-07-23. Review status: criteria provided, single submitter. Criteria: ARUP Molecular Germline Variant Investigation Process 2024. Collection method: clinical testing. Allele origin: germline.

Molecular Diagnostic Laboratory for Inherited Cardiovascular Disease, Montreal Heart Institute
Classification: Benign. Last evaluated: 2025-04-09. Review status: criteria provided, single submitter. Criteria: ACMG Guidelines, 2015. Collection method: clinical testing. Allele origin: germline. Affected: no.

Blueprint Genetics
Classification: Likely benign. Last evaluated: 2024-11-27. Review status: criteria provided, single submitter. Criteria: ACMG Guidelines, 2015. Collection method: clinical testing. Allele origin: germline.

Mayo Clinic Laboratories, Mayo Clinic
Classification: Benign. Last evaluated: 2023-03-01. Review status: criteria provided, single submitter. Criteria: ACMG Guidelines, 2015. Collection method: clinical testing. Allele origin: germline. Observed: 46 variant alleles.
Comment: BS1, BS2, BP4, BP7

Women's Health and Genetics/Laboratory Corporation of America, LabCorp
Classification: Benign. Last evaluated: 2019-02-18. Review status: criteria provided, single submitter. Criteria: LabCorp Variant Classification Summary - May 2015. Collection method: clinical testing. Allele origin: germline.
Comment: Variant summary: DMD c.3021G>A alters a non-conserved nucleotide resulting in a synonymous change. 5/5 computational tools predict no significant impact on normal splicing. However, these predictions have yet to be confirmed by functional studies. The variant allele was found at a frequency of 0.012 in 204360 control chromosomes, predominantly within the Non-Finnish European subpopulation at a frequency of 0.02 in the gnomAD database, including 11 homozygotes and 717 hemizygotes. The observed variant frequency within Non-Finnish European control individuals in the gnomAD database is approximately 1.8 fold of the estimated maximal expected allele frequency for a pathogenic variant in DMD causing Duchenne muscular dystrophy phenotype (0.011), strongly suggesting that the variant is a benign polymorphism. To our knowledge, no occurrence of c.3021G>A in individuals affected with Duchenne muscular dystrophy and no experimental evidence demonstrating its impact on protein function have been reported. Three ClinVar submissions from clinical diagnostic laboratories (evaluation after 2014) cite the variant as benign. Based on the evidence outlined above, the variant was classified as benign.

Illumina Laboratory Services, Illumina
Classification: Benign for Dilated cardiomyopathy 3B. Last evaluated: 2018-01-13. Review status: criteria provided, single submitter. Criteria: ICSL Variant Classification Criteria 13 December 2019. Collection method: clinical testing. Allele origin: germline.
Comment: This variant was observed in the ICSL laboratory as part of a predisposition screen in an ostensibly healthy population. It had not been previously curated by ICSL or reported in the Human Gene Mutation Database (HGMD: prior to June 1st, 2018), and was therefore a candidate for classification through an automated scoring system. Utilizing variant allele frequency, disease prevalence and penetrance estimates, and inheritance mode, an automated score was calculated to assess if this variant is too frequent to cause the disease. Based on the score and internal cut-off values, a variant classified as benign is not then subjected to further curation. The score for this variant resulted in a classification of benign for this disease.

Ambry Genetics
Classification: Benign for Cardiovascular phenotype. Last evaluated: 2015-06-12. Review status: criteria provided, single submitter. Criteria: Ambry Variant Classification Scheme 2023. Collection method: clinical testing. Allele origin: germline.

Laboratory for Molecular Medicine, Mass General Brigham Personalized Medicine
Classification: Benign. Last evaluated: 2014-10-29. Review status: criteria provided, single submitter. Criteria: LMM Criteria. Collection method: clinical testing. Allele origin: germline. Observed: 17 variant alleles.
Comment: p.Ser1007Ser in exon 23 of DMD: This variant is not expected to have clinical si gnificance because it has been identified in 1.7% (112/6728) of European America n chromosomes by the NHLBI Exome Sequencing Project (u/EVS/; dbSNP rs1800268).

Eurofins Ntd Llc (ga)
Classification: Benign. Last evaluated: 2014-03-31. Review status: criteria provided, single submitter. Criteria: EGL Classification Definitions 2015. Collection method: clinical testing. Allele origin: germline. Observed: 18 variant alleles, 7 heterozygotes, 2 homozygotes, 9 hemizygotes.

GeneDx
Classification: Benign. Last evaluated: 2014-03-12. Review status: criteria provided, single submitter. Criteria: GeneDx Variant Classification (06012015). Collection method: clinical testing. Allele origin: germline. Affected: yes.
Comment: This variant is considered likely benign or benign based on one or more of the following criteria: it is a conservative change, it occurs at a poorly conserved position in the protein, it is predicted to be benign by multiple in silico algorithms, and/or has population frequency not consistent with disease.

Breakthrough Genomics
Classification: Benign. Review status: criteria provided, single submitter. Criteria: ACMG Guidelines, 2015. Collection method: not provided. Allele origin: germline. Inheritance: X-linked inheritance. Affected: yes.

PreventionGenetics, part of Exact Sciences
Classification: Benign. Review status: criteria provided, single submitter. Criteria: ACMG Guidelines, 2015. Collection method: clinical testing. Allele origin: germline.

Natera, Inc.
Classification: Likely benign for Becker muscular dystrophy; Cardiomyopathy; Duchenne muscular dystrophy; Dystrophin deficiency. Last evaluated: 2017-04-20. Review status: no assertion criteria provided. Collection method: clinical testing. Allele origin: germline. Not counted in ClinVar's aggregate classification.

Diagnostic Laboratory, Department of Genetics, University Medical Center Groningen
Classification: Likely benign. Review status: no assertion criteria provided. Collection method: clinical testing. Allele origin: germline. Affected: yes. Study: VKGL Data-share Consensus. Not counted in ClinVar's aggregate classification.

Laboratory of Diagnostic Genome Analysis, Leiden University Medical Center (LUMC)
Classification: Benign. Review status: no assertion criteria provided. Collection method: clinical testing. Allele origin: germline. Affected: yes. Study: VKGL Data-share Consensus. Not counted in ClinVar's aggregate classification.

NM_004006.3(DMD):c.3021G>A (p.Ser1007=)

Gene: DMD (dystrophin; minus strand). Cytogenetic location: Xp21.1.
Variant type: single nucleotide variant.
Coding change: c.3021G>A on transcript NM_004006.3 (MANE Select); coding-DNA position 3021, G replaced by A.
Protein change: p.Ser1007=; no amino-acid change (serine 1007 retained).
Molecular consequence: synonymous variant.
Genome position (GRCh38, 1-based): chrX:32,468,639, C>T on the plus strand (G>A on the coding strand, the complement: DMD is on the minus strand). VCF-style: chrX-32468639-C-T. GRCh37 (hg19) VCF-style: chrX-32486756-C-T.
Other names: p.S1007S:TCG>TCA; p.Ser1007=; c.2997G>A, p.Ser999= (NM_000109.4); c.3009G>A, p.Ser1003= (NM_004009.3); c.2652G>A, p.Ser884= (NM_004010.3).
Identifiers: ClinVar variation 94548 (VCV000094548.43), dbSNP rs1800268, ClinGen allele CA285549.